The following is an entry in ClinVar:

ClinVar aggregate classification (germline): Uncertain significance (1 of 4 stars; one submission).

Conditions:
TP63-Related Spectrum Disorders.

Allele frequency attached by ClinVar (database versions not stated): gnomAD 0.00001; gnomAD exomes 0.00001; TOPMed 0.00002.
gnomAD v4.1: 11 of 1,614,000 alleles (0.00068%); highest among the groups gnomAD compares: East Asian, 0.0089%; no homozygotes.

Submission:

Labcorp Genetics (formerly Invitae), Labcorp
Classification: Uncertain significance. Last evaluated: 2021-09-14. Review status: criteria provided, single submitter. Criteria: Invitae Variant Classification Sherloc (09022015). Collection method: clinical testing. Allele origin: germline.
Comment: In summary, the available evidence is currently insufficient to determine the role of this variant in disease. Therefore, it has been classified as a Variant of Uncertain Significance. This sequence change replaces leucine with phenylalanine at codon 525 of the TP63 protein (p.Leu525Phe). The leucine residue is highly conserved and there is a small physicochemical difference between leucine and phenylalanine. This variant is not present in population databases (ExAC no frequency). This variant has not been reported in the literature in individuals affected with TP63-related conditions. Algorithms developed to predict the effect of missense changes on protein structure and function are either unavailable or do not agree on the potential impact of this missense change (SIFT: "Deleterious"; PolyPhen-2: "Probably Damaging"; Align-GVGD: "Class C0").

NM_003722.5(TP63):c.1573C>T (p.Leu525Phe)

Gene: TP63 (tumor protein p63; plus strand). Cytogenetic location: 3q28.
Variant type: single nucleotide variant.
Coding change: c.1573C>T on transcript NM_003722.5 (MANE Select); coding-DNA position 1573, C replaced by T.
Protein change: p.Leu525Phe; replaces leucine 525 with phenylalanine.
Molecular consequence: missense variant. On other transcripts: intron variant (4).
Genome position (GRCh38, 1-based): chr3:189,889,405, C>T. VCF-style: chr3-189889405-C-T. GRCh37 (hg19) VCF-style: chr3-189607194-C-T.
Other names: c.1573C>T, p.Leu525Phe (NM_001114978.2); c.1291C>T, p.Leu431Phe (NM_001114980.2, NM_001114981.2); c.1036C>T, p.Leu346Phe (NM_001329146.2); c.1561C>T, p.Leu521Phe (NM_001329148.2); c.1567C>T, p.Leu523Phe (NM_001329964.2); c.1507+2854C>T (NM_001329144.2); c.1225+2854C>T (NM_001329145.2); c.1213+2854C>T (NM_001329149.2); and 1 more; short protein forms L431F, L521F, L523F, L525F, L346F.
Identifiers: ClinVar variation 1467860 (VCV001467860.5), dbSNP rs1323039634, ClinGen allele CA355758359.
Genomic context (GRCh38, chr3:189,889,405, plus strand): 5'-ATGATGGGCACCCACATGCCAATGGCTGGAGACATGAATGGACTCAGCCCCACCCAGGCA[C>T]TCCCTCCCCCACTCTCCATGCCATCCACCTCCCACTGCACACCCCCACCTCCGTATCCCA-3'
Protein context (NP_003713.3, residues 515-535): DMNGLSPTQA[Leu525Phe]PPPLSMPSTS